The following is an entry in ClinVar:

NM_000405.5(GM2A):c.*1445G>A

Gene: GM2A (ganglioside GM2 activator; plus strand). Cytogenetic location: 5q33.1.
Variant type: single nucleotide variant.
Coding change: c.*1445G>A on transcript NM_000405.5 (MANE Select); 1445 bases downstream of the stop codon, G replaced by A.
Molecular consequence: 3 prime UTR variant.
Genome position (GRCh38, 1-based): chr5:151,268,896, G>A. VCF-style: chr5-151268896-G-A. GRCh37 (hg19) VCF-style: chr5-150648457-G-A.
Other names: c.*1256G>A (NM_001167607.3).
Identifiers: ClinVar variation 352284 (VCV000352284.5), dbSNP rs153450, ClinGen allele CA10623631.
Genomic context (GRCh38, chr5:151,268,896, plus strand): 5'-CACAACCTCTGATCTCAGACCGTGCATGCCTTGTCCTCTTAAGACAACTCCTGTGGCACC[G>A]TTTCTCCCTCCACAGGGCCAAAGCCATAGTGTCCGGTCCCAAGGACAAGGCTCTTCCAGT-3'

ClinVar aggregate classification (germline): Benign (1 of 4 stars; one submission).

Conditions:
Tay-Sachs disease, variant AB. Also called: GM2 Activator Deficiency; Gm2-gangliosidosis, ab variant. Identifiers: Orphanet 309246, MedGen C0268275, MONDO:0010099, OMIM 272750.

Allele frequency attached by ClinVar (database versions not stated): gnomAD exomes 0.21188; gnomAD 0.25029 and 0.25104; TOPMed 0.25185; 1000 Genomes Project 30x 0.28373; 1000 Genomes Project 0.28894.

Submission:

Illumina Laboratory Services, Illumina
Classification: Benign for Tay-Sachs disease, variant AB. Last evaluated: 2018-01-12. Review status: criteria provided, single submitter. Criteria: ICSL Variant Classification Criteria 13 December 2019. Collection method: clinical testing. Allele origin: germline.
Comment: This variant was observed in the ICSL laboratory as part of a predisposition screen in an ostensibly healthy population. It had not been previously curated by ICSL or reported in the Human Gene Mutation Database (HGMD: prior to June 1st, 2018), and was therefore a candidate for classification through an automated scoring system. Utilizing variant allele frequency, disease prevalence and penetrance estimates, and inheritance mode, an automated score was calculated to assess if this variant is too frequent to cause the disease. Based on the score and internal cut-off values, a variant classified as benign is not then subjected to further curation. The score for this variant resulted in a classification of benign for this disease.